The following is an entry in ClinVar:

NM_001351169.2(NT5C2):c.325C>G (p.Leu109Val)

Gene: NT5C2 (5'-nucleotidase, cytosolic II; minus strand). Cytogenetic location: 10q24.33.
Variant type: single nucleotide variant.
Coding change: c.325C>G on transcript NM_001351169.2 (MANE Select); coding-DNA position 325, C replaced by G.
Protein change: p.Leu109Val; replaces leucine 109 with valine.
Molecular consequence: missense variant. On other transcripts: 5 prime UTR variant (22).
Genome position (GRCh38, 1-based): chr10:103,105,770, G>C on the plus strand (C>G on the coding strand, the complement: NT5C2 is on the minus strand). VCF-style: chr10-103105770-G-C. GRCh37 (hg19) VCF-style: chr10-104865527-G-C.
Other names: c.325C>G, p.Leu109Val (NM_001134373.3, NM_001351170.2, NM_001351171.2 and 3 more transcripts); c.238C>G, p.Leu80Val (NM_001351174.1); c.232C>G, p.Leu78Val (NM_001351175.2); c.-249C>G (NM_001351176.2, NM_001351177.2, NM_001351183.2 and 2 more transcripts); c.-273C>G (NM_001351178.2, NM_001351193.1); c.-441C>G (NM_001351179.2, NM_001351180.2, NM_001351182.2 and 3 more transcripts); c.-157C>G (NM_001351181.2, NM_001351191.1); c.-462C>G (NM_001351185.2); and 5 more; short protein forms L78V, L80V, L109V.
Identifiers: ClinVar variation 1971682 (VCV001971682.5), dbSNP rs988179515, ClinGen allele CA212337396.

ClinVar aggregate classification (germline): Uncertain significance (1 of 4 stars; one submission).

Conditions:
Hereditary spastic paraplegia 45. Also called: Spastic paraplegia 45, autosomal recessive; SPASTIC PARAPLEGIA 45. Identifiers: Orphanet 320396, MedGen C3888209, MONDO:0013165, OMIM 613162.

Allele frequency attached by ClinVar (database versions not stated): gnomAD exomes below 0.00001.

Submission:

Labcorp Genetics (formerly Invitae), Labcorp
Classification: Uncertain significance for Hereditary spastic paraplegia 45. Last evaluated: 2022-10-21. Review status: criteria provided, single submitter. Criteria: Invitae Variant Classification Sherloc (09022015). Collection method: clinical testing. Allele origin: germline.
Comment: This sequence change replaces leucine, which is neutral and non-polar, with valine, which is neutral and non-polar, at codon 109 of the NT5C2 protein (p.Leu109Val). This variant is not present in population databases (gnomAD no frequency). This variant has not been reported in the literature in individuals affected with NT5C2-related conditions. Algorithms developed to predict the effect of missense changes on protein structure and function are either unavailable or do not agree on the potential impact of this missense change (SIFT: "Deleterious"; PolyPhen-2: "Probably Damaging"; Align-GVGD: "Class C0"). In summary, the available evidence is currently insufficient to determine the role of this variant in disease. Therefore, it has been classified as a Variant of Uncertain Significance.